The following is an entry in ClinVar:

NM_024675.4(PALB2):c.721A>C (p.Asn241His)

Gene: PALB2 (partner and localizer of BRCA2; minus strand). Cytogenetic location: 16p12.2.
Variant type: single nucleotide variant.
Coding change: c.721A>C on transcript NM_024675.4 (MANE Select); coding-DNA position 721, A replaced by C.
Protein change: p.Asn241His; replaces asparagine 241 with histidine.
Molecular consequence: missense variant.
Genome position (GRCh38, 1-based): chr16:23,635,825, T>G on the plus strand (A>C on the coding strand, the complement: PALB2 is on the minus strand). VCF-style: chr16-23635825-T-G. GRCh37 (hg19) VCF-style: chr16-23647146-T-G.
Other names: short protein forms N241H.
Identifiers: ClinVar variation 410215 (VCV000410215.13), dbSNP rs113217267, ClinGen allele CA16615298.
Genomic context (GRCh38, chr16:23,635,825, plus strand): 5'-GCTGACTACTACCGCTATCTGATAGAGTCTGTAAAGGAACTGTAGTCGCCCTGGTGAAAT[T>G]AGGTCTTCTTAGGAATGTATCAACACCTTTTTCTGGTTGGGCAGTTGGTGGAATTAATAC-3'
Protein context (NP_078951.2, residues 231-251): KGVDTFLRRP[Asn241His]FTRATTVPLQ

ClinVar aggregate classification (germline): Uncertain significance. Review status: criteria provided, multiple submitters, no conflicts (2 of 4 stars). 2 submissions from 2 submitters: Uncertain significance (2). Last evaluated 2019-10-30.

Conditions:
Hereditary cancer-predisposing syndrome. Also called: Tumor predisposition; Hereditary Cancer Syndrome; Hereditary neoplastic syndrome; Neoplastic Syndromes, Hereditary. Identifiers: Orphanet 140162, MedGen C0027672, MeSH D009386, MONDO:0015356.
Familial cancer of breast. Also called: BREAST CANCER, FAMILIAL; Hereditary breast cancer; hereditary breast carcinoma. Identifiers: Orphanet 227535, MedGen C0346153, MONDO:0016419, OMIM 114480. Disease mechanism: loss of function.

Submissions (2):

Color Diagnostics, LLC DBA Color Health
Classification: Uncertain significance for Hereditary cancer-predisposing syndrome. Last evaluated: 2019-10-30. Review status: criteria provided, single submitter. Criteria: ACMG Guidelines, 2015. Collection method: clinical testing. Allele origin: germline.
Comment: This missense variant replaces asparagine with histidine at codon 241 of the PALB2 protein. Computational prediction tool suggests that this variant may not impact protein structure and function (internally defined REVEL score threshold ≤0.5, PMID: 27666373). Splice site prediction tools suggest that this variant may not impact RNA splicing. To our knowledge, functional studies have not been performed for this variant. This variant has not been reported in individuals affected with hereditary cancer in the literature. This variant has not been identified in the general population by the Genome Aggregation Database (gnomAD). The available evidence is insufficient to determine the role of this variant in disease conclusively. Therefore, this variant is classified as a Variant of Uncertain Significance.

Labcorp Genetics (formerly Invitae), Labcorp
Classification: Uncertain significance for Familial cancer of breast. Last evaluated: 2016-12-16. Review status: criteria provided, single submitter. Criteria: Invitae Variant Classification Sherloc (09022015). Collection method: clinical testing. Allele origin: germline.
Comment: Algorithms developed to predict the effect of missense changes on protein structure and function output the following: (SIFT: "Tolerated"; PolyPhen-2: "Benign"; Align-GVGD: "Class C0"). The histidine amino acid residue is found in multiple mammalian species, suggesting that this missense change does not adversely affect protein function. These predictions have not been confirmed by published functional studies. This variant is not present in population databases (ExAC no frequency) and has not been reported in the literature in individuals with a PALB2-related disease. This sequence change replaces asparagine with histidine at codon 241 of the PALB2 protein (p.Asn241His). The asparagine residue is weakly conserved and there is a small physicochemical difference between asparagine and histidine. In summary, this variant is a novel missense change that is not predicted to affect protein function. There is no indication that it causes disease, but the available evidence is currently insufficient to prove that conclusively. Therefore, it has been classified as a Variant of Uncertain Significance.